The following is an entry in ClinVar:

NM_002691.4(POLD1):c.2908T>C (p.Phe970Leu)

Gene: POLD1 (DNA polymerase delta 1, catalytic subunit; plus strand). Cytogenetic location: 19q13.33.
Variant type: single nucleotide variant.
Coding change: c.2908T>C on transcript NM_002691.4 (MANE Select); coding-DNA position 2908, T replaced by C.
Protein change: p.Phe970Leu; replaces phenylalanine 970 with leucine.
Molecular consequence: missense variant. On other transcripts: non-coding transcript variant (1).
Genome position (GRCh38, 1-based): chr19:50,416,483, T>C. VCF-style: chr19-50416483-T-C. GRCh37 (hg19) VCF-style: chr19-50919740-T-C.
Other names: c.2908T>C, p.Phe970Leu (NM_001256849.1); c.2986T>C, p.Phe996Leu (NM_001308632.1); short protein forms F996L, F970L.
Identifiers: ClinVar variation 1797534 (VCV001797534.7), dbSNP rs2122491732, ClinGen allele CA406986549.

ClinVar aggregate classification (germline): Uncertain significance. Review status: criteria provided, multiple submitters, no conflicts (2 of 4 stars). 2 submissions from 2 submitters: Uncertain significance (2). Last evaluated 2022-05-12.

Conditions:
Hereditary cancer-predisposing syndrome. Also called: Tumor predisposition; Hereditary Cancer Syndrome; Hereditary neoplastic syndrome; Neoplastic Syndromes, Hereditary. Identifiers: Orphanet 140162, MedGen C0027672, MeSH D009386, MONDO:0015356.
POLD1-related polyposis and colorectal cancer syndrome (CRCS10). Also called: Colorectal cancer 10; COLORECTAL CANCER, SUSCEPTIBILITY TO, ON CHROMOSOME 19q; Colorectal cancer, susceptibility to, 10. Identifiers: Orphanet 220460, MedGen C2675481, MONDO:0012953, OMIM 612591.

Allele frequency attached by ClinVar (database versions not stated): gnomAD exomes below 0.00001.
gnomAD v4.1: 1 of 1,551,828 alleles (0.000064%); highest among the groups gnomAD compares: Non-Finnish European, 0.000087%; no homozygotes.

Submissions (2):

Ambry Genetics
Classification: Uncertain significance for Hereditary cancer-predisposing syndrome. Last evaluated: 2022-05-12. Review status: criteria provided, single submitter. Criteria: Ambry Variant Classification Scheme 2023. Collection method: clinical testing. Allele origin: germline.
Comment: The p.F970L variant (also known as c.2908T>C), located in coding exon 22 of the POLD1 gene, results from a T to C substitution at nucleotide position 2908. The phenylalanine at codon 970 is replaced by leucine, an amino acid with highly similar properties. This amino acid position is conserved. In addition, this alteration is predicted to be tolerated by in silico analysis. Since supporting evidence is limited at this time, the clinical significance of this alteration remains unclear.

Labcorp Genetics (formerly Invitae), Labcorp
Classification: Uncertain significance for POLD1-related polyposis and colorectal cancer syndrome. Last evaluated: 2022-03-13. Review status: criteria provided, single submitter. Criteria: Invitae Variant Classification Sherloc (09022015). Collection method: clinical testing. Allele origin: germline.
Comment: In summary, the available evidence is currently insufficient to determine the role of this variant in disease. Therefore, it has been classified as a Variant of Uncertain Significance. Algorithms developed to predict the effect of missense changes on protein structure and function are either unavailable or do not agree on the potential impact of this missense change (SIFT: "Tolerated"; PolyPhen-2: "Possibly Damaging"; Align-GVGD: "Class C0"). This variant has not been reported in the literature in individuals affected with POLD1-related conditions. This variant is not present in population databases (gnomAD no frequency). This sequence change replaces phenylalanine, which is neutral and non-polar, with leucine, which is neutral and non-polar, at codon 970 of the POLD1 protein (p.Phe970Leu).